The following is an entry in ClinVar:

ClinVar aggregate classification (germline): not provided (0 of 4 stars; one submission).

Allele frequency attached by ClinVar (database versions not stated): gnomAD 0.01628 and 0.01745; 1000 Genomes Project 0.01937; TOPMed 0.01948; 1000 Genomes Project 30x 0.02139.
gnomAD v4.1: 2,442 of 151,448 alleles (1.6%); highest among the groups gnomAD compares: African/African-American, 5.5%; 77 homozygotes.

Submission:

Human Evolutionary Genetics, Institut Pasteur
No classification provided. Review status: no classification provided. Collection method: not provided. Allele origin: germline.
ClinVar note: Converted during submission from untested to not provided.

NM_001433705.1(NLRP5):c.526+340T>C

Gene: NLRP5 (NLR family pyrin domain containing 5; plus strand). Cytogenetic location: 19q13.43.
Variant type: single nucleotide variant.
Coding change: c.526+340T>C on transcript NM_001433705.1 (MANE Select); 340 bases into the intron after coding-DNA position 526, T replaced by C.
Molecular consequence: intron variant.
Genome position (GRCh38, 1-based): chr19:56,020,771, T>C. VCF-style: chr19-56020771-T-C. GRCh37 (hg19) VCF-style: chr19-56532137-T-C.
Other names: NM_153447.4:c.679+340T>C.
Identifiers: ClinVar variation 103302 (VCV000103302.2), dbSNP rs199475771, ClinGen allele CA230387.